The following is an entry in ClinVar:

ClinVar aggregate classification (germline): Pathogenic (1 of 4 stars; one submission).

Submission:

GeneDx
Classification: Pathogenic. Last evaluated: 2017-08-22. Review status: criteria provided, single submitter. Criteria: GeneDx Variant Classification (06012015). Collection method: clinical testing. Allele origin: germline. Affected: yes.
Comment: The G432R variant has been published previously in association with Alport syndrome (Bekheirnia et al., 2010). The variant is not observed in large population cohorts (Lek et al., 2016; 1000 Genomes Consortium et al., 2015; Exome Variant Server). G432R occurs in the triple helical domain and replaces the Glycine in the canonical Gly-X-Y repeat. Variants in these Glycines result in poor winding of the collagen triple helix and a less functional protein. G432R is a non-conservative amino acid substitution, which is likely to impact secondary protein structure as these residues differ in polarity, charge, size and/or other properties. This substitution occurs at a position that is conserved across species, and in silico analysis predicts this variant is probably damaging to the protein structure/function. A missense variant in the same residue (G432E) has been reported in the Human Gene Mutation Database in association with Alport syndrome (Stenson et al., 2014), supporting the functional importance of this region of the protein. In summary, we consider this variant to be pathogenic.

NM_033380.3(COL4A5):c.1294G>A (p.Gly432Arg)

Gene: COL4A5 (collagen type IV alpha 5 chain; plus strand). Cytogenetic location: Xq22.3.
Variant type: single nucleotide variant.
Coding change: c.1294G>A on transcript NM_033380.3 (MANE Select); coding-DNA position 1294, G replaced by A.
Protein change: p.Gly432Arg; replaces glycine 432 with arginine.
Molecular consequence: missense variant.
Genome position (GRCh38, 1-based): chrX:108,591,186, G>A. VCF-style: chrX-108591186-G-A. GRCh37 (hg19) VCF-style: chrX-107834416-G-A.
Other names: c.1294G>A, p.Gly432Arg (NM_000495.5); short protein forms G432R.
Identifiers: ClinVar variation 24397 (VCV000024397.4), dbSNP rs281874664, ClinGen allele CA258456.